The following is an entry in ClinVar:

NM_001165963.4(SCN1A):c.2803A>T (p.Asn935Tyr)

Gene: SCN1A (sodium voltage-gated channel alpha subunit 1; minus strand). Cytogenetic location: 2q24.3.
Variant type: single nucleotide variant.
Coding change: c.2803A>T on transcript NM_001165963.4 (MANE Select); coding-DNA position 2803, A replaced by T.
Protein change: p.Asn935Tyr; replaces asparagine 935 with tyrosine.
Molecular consequence: missense variant. On other transcripts: non-coding transcript variant (1).
Genome position (GRCh38, 1-based): chr2:166,037,919, T>A on the plus strand (A>T on the coding strand, the complement: SCN1A is on the minus strand). VCF-style: chr2-166037919-T-A. GRCh37 (hg19) VCF-style: chr2-166894429-T-A.
Other names: c.2719A>T, p.Asn907Tyr (NM_001165964.3, NM_001353957.2, NM_001353958.2); c.2803A>T, p.Asn935Tyr (NM_001202435.3, NM_001353948.2); c.2770A>T, p.Asn924Tyr (NM_001353949.2, NM_001353950.2, NM_001353951.2 and 2 more transcripts); c.2767A>T, p.Asn923Tyr (NM_001353954.2, NM_001353955.2); c.2716A>T, p.Asn906Tyr (NM_001353960.2); c.361A>T, p.Asn121Tyr (NM_001353961.2); short protein forms N924Y, N935Y, N121Y, N907Y, N923Y, N906Y.
Identifiers: ClinVar variation 1500148 (VCV001500148.9), dbSNP rs2105806890, ClinGen allele CA349061340.

ClinVar aggregate classification (germline): Uncertain significance (1 of 4 stars; one submission).

Conditions:
Early-infantile DEE. Also called: Early infantile epileptic encephalopathy; Ohtahara syndrome; Early infantile epileptic encephalopathy with suppression bursts. Identifiers: Orphanet 1934, MedGen C0393706, MONDO:0800491.

Submission:

Labcorp Genetics (formerly Invitae), Labcorp
Classification: Uncertain significance for Early-infantile DEE. Last evaluated: 2023-06-13. Review status: criteria provided, single submitter. Criteria: Invitae Variant Classification Sherloc (09022015). Collection method: clinical testing. Allele origin: germline.
Comment: Algorithms developed to predict the effect of sequence changes on RNA splicing suggest that this variant may create or strengthen a splice site. In summary, the available evidence is currently insufficient to determine the role of this variant in disease. Therefore, it has been classified as a Variant of Uncertain Significance. Advanced modeling of protein sequence and biophysical properties (such as structural, functional, and spatial information, amino acid conservation, physicochemical variation, residue mobility, and thermodynamic stability) performed at Invitae indicates that this missense variant is not expected to disrupt SCN1A protein function. ClinVar contains an entry for this variant (Variation ID: 1500148). This variant has not been reported in the literature in individuals affected with SCN1A-related conditions. This variant is not present in population databases (gnomAD no frequency). This sequence change replaces asparagine, which is neutral and polar, with tyrosine, which is neutral and polar, at codon 935 of the SCN1A protein (p.Asn935Tyr).